The following is an entry in ClinVar:

ClinVar aggregate classification (germline): Uncertain significance. Review status: criteria provided, multiple submitters, no conflicts (2 of 4 stars). 2 submissions from 2 submitters: Uncertain significance (2). Last evaluated 2023-04-13.

Conditions:
Congenital muscular dystrophy due to integrin alpha-7 deficiency. Also called: MYOPATHY, CONGENITAL, DUE TO INTEGRIN ALPHA-7 DEFICIENCY; Congenital muscular dystrophy with integrin alpha-7 deficiency; Muscular dystrophy, congenital, due to ITGA7 deficiency. Identifiers: Orphanet 34520, MedGen C2750786, MONDO:0013177, OMIM 613204.

Allele frequency attached by ClinVar (database versions not stated): gnomAD exomes below 0.00001; TOPMed below 0.00001; ExAC 0.00001; gnomAD 0.00002.
gnomAD v4.1: 6 of 1,613,138 alleles (0.00037%); highest among the groups gnomAD compares: African/African-American, 0.0013%; no homozygotes.

Submissions (2):

Ambry Genetics
Classification: Uncertain significance. Last evaluated: 2023-04-13. Review status: criteria provided, single submitter. Criteria: Ambry Variant Classification Scheme 2023. Collection method: clinical testing. Allele origin: germline.

Labcorp Genetics (formerly Invitae), Labcorp
Classification: Uncertain significance for Congenital muscular dystrophy due to integrin alpha-7 deficiency. Last evaluated: 2022-04-07. Review status: criteria provided, single submitter. Criteria: Invitae Variant Classification Sherloc (09022015). Collection method: clinical testing. Allele origin: germline.
Comment: In summary, the available evidence is currently insufficient to determine the role of this variant in disease. Therefore, it has been classified as a Variant of Uncertain Significance. Algorithms developed to predict the effect of missense changes on protein structure and function (SIFT, PolyPhen-2, Align-GVGD) all suggest that this variant is likely to be tolerated. This variant has not been reported in the literature in individuals affected with ITGA7-related conditions. This variant is present in population databases (rs752389292, gnomAD 0.004%). This sequence change replaces alanine, which is neutral and non-polar, with valine, which is neutral and non-polar, at codon 990 of the ITGA7 protein (p.Ala990Val).

NM_002206.3(ITGA7):c.2969C>T (p.Ala990Val)

Gene: ITGA7 (integrin subunit alpha 7; minus strand). Cytogenetic location: 12q13.2.
Variant type: single nucleotide variant.
Coding change: c.2969C>T on transcript NM_002206.3 (MANE Select); coding-DNA position 2969, C replaced by T.
Protein change: p.Ala990Val; replaces alanine 990 with valine.
Molecular consequence: missense variant.
Genome position (GRCh38, 1-based): chr12:55,688,290, G>A on the plus strand (C>T on the coding strand, the complement: ITGA7 is on the minus strand). VCF-style: chr12-55688290-G-A. GRCh37 (hg19) VCF-style: chr12-56082074-G-A.
Other names: c.2969C>T (NM_002206.2); c.2981C>T, p.Ala994Val (NM_001144996.2); c.2690C>T, p.Ala897Val (NM_001144997.2); c.2642C>T, p.Ala881Val (NM_001367993.1); c.1625C>T, p.Ala542Val (NM_001367994.1); c.2951C>T, p.Ala984Val (NM_001374465.1); c.3101C>T, p.Ala1034Val (NM_001410977.1); c.2963C>T, p.Ala988Val (NM_001414029.1); and 6 more; short protein forms A542V, A897V, A929V, A984V, A988V, A990V, A1034V, A961V.
Identifiers: ClinVar variation 1977153 (VCV001977153.6), dbSNP rs752389292, ClinGen allele CA6615385.